The following is an entry in ClinVar:

ClinVar aggregate classification (germline): Uncertain significance (1 of 4 stars; one submission).

Conditions:
Cardiovascular phenotype. Identifiers: MedGen CN230736.

Submission:

Ambry Genetics
Classification: Uncertain significance for Cardiovascular phenotype. Last evaluated: 2024-01-05. Review status: criteria provided, single submitter. Criteria: Ambry Variant Classification Scheme 2023. Collection method: clinical testing. Allele origin: germline.
Comment: Does not currently meet published gene-disease clinical validity criteria Based on insufficient or conflicting evidence, the clinical significance of this alteration remains unclear.

Literature cited by the submitters: PubMed 28106320.

NM_006514.4(SCN10A):c.4236_4237del (p.Phe1413fs)

Gene: SCN10A (sodium voltage-gated channel alpha subunit 10; minus strand). Cytogenetic location: 3p22.2.
Variant type: Microsatellite.
Coding change: c.4236_4237del on transcript NM_006514.4 (MANE Select); coding-DNA positions 4236 to 4237, 2 bases deleted (CT; older notation c.4236_4237delCT).
Protein change: p.Phe1413fs; shifts the reading frame from phenylalanine 1413.
Molecular consequence: frameshift variant.
Genome position (GRCh38, 1-based): chr3:38,709,522-38,709,523, AG deleted on the plus strand (CT on the coding strand, the reverse complement: SCN10A is on the minus strand); deleting any 2 consecutive bases within chr3:38,709,522-38,709,526 gives the same sequence; the c. name uses the placement nearest the transcript's 3' end. VCF-style (leftmost placement, unchanged base first): chr3-38709521-AAG-A. GRCh37 (hg19) VCF-style: chr3-38751012-AAG-A.
Other names: c.4233_4234del, p.Phe1412fs (NM_001293306.2); c.3942_3943del, p.Phe1315fs (NM_001293307.2); short protein forms F1412fs, F1315fs, F1413fs.
Identifiers: ClinVar variation 3158497 (VCV003158497.1), dbSNP rs2470590971, ClinGen allele CA2825001235.
Genomic context (GRCh38, chr3:38,709,521, plus strand): 5'-TCCTGAGCACCACTTATCTTTTTTTTCTGTTGATTGAAGTTGTCAATTATGACCCCAACA[AAG>A]AGATTCAGTGTGAAGAAGCCTCCAAAAATGATGAAGATGACAAAGTACAAATACATGTAC-3'